The following is an entry in ClinVar:

NM_017775.4(TTC19):c.1108_1112del (p.Lys369_Lys370insTer)

Gene: TTC19 (tetratricopeptide repeat domain 19; plus strand). Cytogenetic location: 17p12.
Variant type: Deletion.
Coding change: c.1108_1112del on transcript NM_017775.4 (MANE Select); coding-DNA positions 1108 to 1112, 5 bases deleted (AAAAG; older notation c.1108_1112delAAAAG).
Protein change: p.Lys369_Lys370insTer.
Molecular consequence: nonsense.
Genome position (GRCh38, 1-based): chr17:16,027,487-16,027,491, AAAAG deleted; deleting any 5 consecutive bases within chr17:16,027,483-16,027,491 gives the same sequence; the c. name uses the placement nearest the transcript's 3' end. VCF-style (leftmost placement, unchanged base first): chr17-16027482-CAAAGA-C. GRCh37 (hg19) VCF-style: chr17-15930796-CAAAGA-C.
Other names: c.1108_1112delAAAAG (NM_017775.4); c.787_791del, p.Lys262_Lys263insTer (NM_001271420.2).
Identifiers: ClinVar variation 750631 (VCV000750631.9), dbSNP rs539447756, ClinGen allele CA8407602.

ClinVar aggregate classification (germline): Benign/Likely benign. Review status: criteria provided, multiple submitters, no conflicts (2 of 4 stars). 3 submissions from 3 submitters: Benign (2); Likely benign (1). Last evaluated 2025-10-10.

Submissions (3):

Labcorp Genetics (formerly Invitae), Labcorp
Classification: Benign. Last evaluated: 2025-10-10. Review status: criteria provided, single submitter. Criteria: Invitae Variant Classification Sherloc (09022015). Collection method: clinical testing. Allele origin: germline.

Women's Health and Genetics/Laboratory Corporation of America, LabCorp
Classification: Benign. Last evaluated: 2025-03-19. Review status: criteria provided, single submitter. Criteria: LabCorp Variant Classification Summary - May 2015. Collection method: clinical testing. Allele origin: germline.
Comment: Variant summary: TTC19 c.1108_1112delAAAAG (p.Lys370X) results in a premature termination codon, predicted to cause a truncation of the encoded protein or absence of the protein due to nonsense mediated decay, which are commonly known mechanisms for disease. However, this truncation occurs in the last exon and to our knowledge, no downstream pathogenic variants have been reported. The variant allele was found at a frequency of 0.00042 in 251194 control chromosomes, predominantly at a frequency of 0.0032 within the South Asian subpopulation in the gnomAD database, including 2 homozygotes. The observed variant frequency within South Asian control individuals in the gnomAD database exceeds the estimated maximal expected allele frequency for a pathogenic variant in TTC19 causing Mitochondrial Complex III Deficiency Nuclear Type 2 phenotype. To our knowledge, c.1108_1112delAAAAG has not been reported in the literature in individuals affected with Mitochondrial Complex III Deficiency Nuclear Type 2. These report(s) do not provide unequivocal conclusions about association of the variant with Mitochondrial Complex III Deficiency Nuclear Type 2. To our knowledge, no experimental evidence demonstrating an impact on protein function has been reported. ClinVar contains an entry for this variant (Variation ID: 750631). Based on the evidence outlined above, the variant was classified as benign.

Blueprint Genetics
Classification: Likely benign. Last evaluated: 2024-09-12. Review status: criteria provided, single submitter. Criteria: ACMG Guidelines, 2015. Collection method: clinical testing. Allele origin: germline.

Literature cited by the submitters: PubMed 31069529 (cited by Women's Health and Genetics/Laboratory Corporation of America, LabCorp).